The following is an entry in ClinVar:

ClinVar aggregate classification (germline): Uncertain significance. Review status: criteria provided, multiple submitters, no conflicts (2 of 4 stars). 2 submissions from 2 submitters: Uncertain significance (2). Last evaluated 2025-09-03.

Conditions:
Hereditary cancer-predisposing syndrome. Also called: Neoplastic Syndromes, Hereditary; Tumor predisposition; Hereditary Cancer Syndrome; Hereditary neoplastic syndrome. Identifiers: Orphanet 140162, MedGen C0027672, MeSH D009386, MONDO:0015356.
Tuberous sclerosis 2 (TSC2). Identifiers: Orphanet 805, MedGen C1860707, MONDO:0013199, OMIM 613254.

Allele frequency attached by ClinVar (database versions not stated): gnomAD exomes below 0.00001.
gnomAD v4.1: 1 of 1,614,192 alleles (0.000062%); highest among the groups gnomAD compares: Non-Finnish European, 0.000085%; no homozygotes.

Submissions (2):

Ambry Genetics
Classification: Uncertain significance for Hereditary cancer-predisposing syndrome. Last evaluated: 2025-09-03. Review status: criteria provided, single submitter. Criteria: Ambry Variant Classification Scheme 2023. Collection method: clinical testing. Allele origin: germline.
Comment: The p.E138V variant (also known as c.413A>T), located in coding exon 4 of the TSC2 gene, results from an A to T substitution at nucleotide position 413. The glutamic acid at codon 138 is replaced by valine, an amino acid with dissimilar properties. This amino acid position is well conserved in available vertebrate species. In addition, the in silico prediction for this alteration is inconclusive. Based on the available evidence, the clinical significance of this variant remains unclear.

Labcorp Genetics (formerly Invitae), Labcorp
Classification: Uncertain significance for Tuberous sclerosis 2. Last evaluated: 2023-04-17. Review status: criteria provided, single submitter. Criteria: Invitae Variant Classification Sherloc (09022015). Collection method: clinical testing. Allele origin: germline.
Comment: Algorithms developed to predict the effect of sequence changes on RNA splicing suggest that this variant may create or strengthen a splice site. In summary, the available evidence is currently insufficient to determine the role of this variant in disease. Therefore, it has been classified as a Variant of Uncertain Significance. Advanced modeling of protein sequence and biophysical properties (such as structural, functional, and spatial information, amino acid conservation, physicochemical variation, residue mobility, and thermodynamic stability) performed at Invitae indicates that this missense variant is not expected to disrupt TSC2 protein function. ClinVar contains an entry for this variant (Variation ID: 1738137). This variant has not been reported in the literature in individuals affected with TSC2-related conditions. This variant is not present in population databases (gnomAD no frequency). This sequence change replaces glutamic acid, which is acidic and polar, with valine, which is neutral and non-polar, at codon 138 of the TSC2 protein (p.Glu138Val).

NM_000548.5(TSC2):c.413A>T (p.Glu138Val)

Gene: TSC2 (TSC complex subunit 2; plus strand). Cytogenetic location: 16p13.3.
Variant type: single nucleotide variant.
Coding change: c.413A>T on transcript NM_000548.5 (MANE Select); coding-DNA position 413, A replaced by T.
Protein change: p.Glu138Val; replaces glutamic acid 138 with valine.
Molecular consequence: missense variant. On other transcripts: intron variant (1).
Genome position (GRCh38, 1-based): chr16:2,054,372, A>T. VCF-style: chr16-2054372-A-T. GRCh37 (hg19) VCF-style: chr16-2104373-A-T.
Other names: c.413A>T, p.Glu138Val (NM_001077183.3, NM_001114382.3, NM_001363528.2 and 8 more transcripts); c.302A>T, p.Glu101Val (NM_001318827.2, NM_001406670.1, NM_001406678.1); c.266A>T, p.Glu89Val (NM_001318829.2, NM_001406675.1, NM_001406676.1 and 1 more transcripts); c.446A>T, p.Glu149Val (NM_001318832.2); c.503A>T, p.Glu168Val (NM_001406667.1, NM_001406668.1); c.356A>T, p.Glu119Val (NM_001406677.1); c.-404A>T (NM_001406680.1, NM_001406683.1, NM_001406687.1); c.-33A>T (NM_001406681.1); and 6 more; short protein forms E119V, E101V, E149V, E89V, E138V, E168V.
Identifiers: ClinVar variation 1738137 (VCV001738137.8), dbSNP rs2151042580, ClinGen allele CA394307107.